The following is an entry in ClinVar:

ClinVar aggregate classification (germline): Uncertain significance (1 of 4 stars; one submission).

Conditions:
Spastic paraplegia. Identifiers: MedGen C0037772, HP:0001258.

Submission:

Labcorp Genetics (formerly Invitae), Labcorp
Classification: Uncertain significance for Spastic paraplegia. Last evaluated: 2022-11-08. Review status: criteria provided, single submitter. Criteria: Invitae Variant Classification Sherloc (09022015). Collection method: clinical testing. Allele origin: germline.
Comment: In summary, the available evidence is currently insufficient to determine the role of this variant in disease. Therefore, it has been classified as a Variant of Uncertain Significance. This sequence change replaces alanine, which is neutral and non-polar, with serine, which is neutral and polar, at codon 270 of the KIF5A protein (p.Ala270Ser). Algorithms developed to predict the effect of missense changes on protein structure and function (SIFT, PolyPhen-2, Align-GVGD) all suggest that this variant is likely to be disruptive. ClinVar contains an entry for this variant (Variation ID: 1361532). This variant has not been reported in the literature in individuals affected with KIF5A-related conditions. This variant is not present in population databases (gnomAD no frequency).

NM_004984.4(KIF5A):c.808G>T (p.Ala270Ser)

Gene: KIF5A (kinesin family member 5A; plus strand). Cytogenetic location: 12q13.3.
Variant type: single nucleotide variant.
Coding change: c.808G>T on transcript NM_004984.4 (MANE Select); coding-DNA position 808, G replaced by T.
Protein change: p.Ala270Ser; replaces alanine 270 with serine.
Molecular consequence: missense variant.
Genome position (GRCh38, 1-based): chr12:57,569,056, G>T. VCF-style: chr12-57569056-G-T. GRCh37 (hg19) VCF-style: chr12-57962839-G-T.
Other names: c.541G>T, p.Ala181Ser (NM_001354705.2); short protein forms A181S, A270S.
Identifiers: ClinVar variation 1361532 (VCV001361532.8), dbSNP rs2140162633, ClinGen allele CA385500306.